The following is an entry in ClinVar:

ClinVar aggregate classification (germline): Uncertain significance (1 of 4 stars; one submission).

Conditions:
Myopathy, proximal, and ophthalmoplegia (CMYO6). Also called: MYOPATHY WITH CONGENITAL JOINT CONTRACTURES, OPHTHALMOPLEGIA, AND RIMMED VACUOLES; CONGENITAL MYOPATHY 6 WITH OPHTHALMOPLEGIA; INCLUSION BODY MYOPATHY 3, AUTOSOMAL DOMINANT. Identifiers: Orphanet 363677, Orphanet 79091, MedGen C1854106, MONDO:0011577, OMIM 605637.

Allele frequency attached by ClinVar (database versions not stated): gnomAD exomes below 0.00001.
gnomAD v4.1: 1 of 1,612,048 alleles (0.000062%); highest among the groups gnomAD compares: Non-Finnish European, 0.000085%; no homozygotes.

Submission:

Labcorp Genetics (formerly Invitae), Labcorp
Classification: Uncertain significance for Myopathy, proximal, and ophthalmoplegia. Last evaluated: 2022-03-09. Review status: criteria provided, single submitter. Criteria: Invitae Variant Classification Sherloc (09022015). Collection method: clinical testing. Allele origin: germline.
Comment: In summary, the available evidence is currently insufficient to determine the role of this variant in disease. Therefore, it has been classified as a Variant of Uncertain Significance. Algorithms developed to predict the effect of missense changes on protein structure and function are either unavailable or do not agree on the potential impact of this missense change (SIFT: "Deleterious"; PolyPhen-2: "Probably Damaging"; Align-GVGD: "Class C0"). ClinVar contains an entry for this variant (Variation ID: 935696). This variant has not been reported in the literature in individuals affected with MYH2-related conditions. This variant is not present in population databases (gnomAD no frequency). This sequence change replaces isoleucine, which is neutral and non-polar, with methionine, which is neutral and non-polar, at codon 266 of the MYH2 protein (p.Ile266Met).

NM_017534.6(MYH2):c.798T>G (p.Ile266Met)

Genes: MYH2 (myosin heavy chain 2; minus strand), MYHAS (myosin heavy chain gene cluster antisense RNA; plus strand), LOC126862501 (CDK7 strongly-dependent group 2 enhancer GRCh37_chr17:10446256-10447455; plus strand). Cytogenetic location: 17p13.1.
Variant type: single nucleotide variant.
Coding change: c.798T>G on transcript NM_017534.6 (MANE Select); coding-DNA position 798, T replaced by G.
Protein change: p.Ile266Met; replaces isoleucine 266 with methionine.
Molecular consequence: missense variant.
Genome position (GRCh38, 1-based): chr17:10,543,105, A>C on the plus strand (T>G on the coding strand, the complement: MYH2 is on the minus strand). VCF-style: chr17-10543105-A-C. GRCh37 (hg19) VCF-style: chr17-10446422-A-C.
Other names: c.798T>G, p.Ile266Met (NM_001100112.2); short protein forms I266M.
Identifiers: ClinVar variation 935696 (VCV000935696.7), dbSNP rs2073578403, ClinGen allele CA398167125.
Genomic context (GRCh38, chr17:10,543,105, plus strand): 5'-GTTTTTTAGGTCATATGAATCAGAAATGATTTTAAAGATATCTGAACACTTACATGTTTC[A>C]ATATCAGCAGATGCCAGTTTTCCAGTAGTGCCAAAGTGGATTCTGATGAATTTACCCTTG-3'
Protein context (NP_060004.3, residues 256-276): GTTGKLASAD[Ile266Met]ETYLLEKSRV